The following is an entry in ClinVar:

NM_198578.4(LRRK2):c.3157T>C (p.Tyr1053His)

Gene: LRRK2 (leucine rich repeat kinase 2; plus strand). Cytogenetic location: 12q12.
Variant type: single nucleotide variant.
Coding change: c.3157T>C on transcript NM_198578.4 (MANE Select); coding-DNA position 3157, T replaced by C.
Protein change: p.Tyr1053His; replaces tyrosine 1053 with histidine.
Molecular consequence: missense variant.
Genome position (GRCh38, 1-based): chr12:40,298,303, T>C. VCF-style: chr12-40298303-T-C. GRCh37 (hg19) VCF-style: chr12-40692105-T-C.
Other names: short protein forms Y1053H.
Identifiers: ClinVar variation 3292015 (VCV003292015.1).
Genomic context (GRCh38, chr12:40,298,303, plus strand): 5'-ACTCTGAAGAGTTTGACACATTTGGACTTGCACAGTAATAAATTTACATCATTTCCTTCT[T>C]ATTTGTTGAAAATGAGTTGTATTGCTAATCTTGATGTCTCTCGAAATGACATTGGACCCT-3'
Protein context (NP_940980.4, residues 1043-1063): HSNKFTSFPS[Tyr1053His]LLKMSCIANL

ClinVar aggregate classification (germline): Uncertain significance (1 of 4 stars; one submission).

Conditions:
Inborn genetic diseases. Identifiers: MedGen C0950123, MeSH D030342.

Submission:

Ambry Genetics
Classification: Uncertain significance for Inborn genetic diseases. Last evaluated: 2024-05-16. Review status: criteria provided, single submitter. Criteria: Ambry Variant Classification Scheme 2023. Collection method: clinical testing. Allele origin: germline.
Comment: The p.Y1053H variant (also known as c.3157T>C), located in coding exon 24 of the LRRK2 gene, results from a T to C substitution at nucleotide position 3157. The tyrosine at codon 1053 is replaced by histidine, an amino acid with similar properties. This amino acid position is conserved. In addition, this alteration is predicted to be tolerated by in silico analysis. Based on the available evidence, the clinical significance of this variant remains unclear.